The following is an entry in ClinVar:

ClinVar aggregate classification (germline): Pathogenic/Likely pathogenic. Review status: criteria provided, multiple submitters, no conflicts (2 of 4 stars). 4 submissions from 4 submitters: Pathogenic (2); Likely pathogenic (2). Last evaluated 2025-12-23.

Conditions:
Arthrogryposis multiplex congenita 6. Identifiers: MedGen C5543431, MONDO:0030281, OMIM 619334.
Nemaline myopathy 2 (NEM2). Also called: Nemaline myopathy 2, autosomal recessive. Identifiers: MedGen C1850569, MONDO:0009725, OMIM 256030.

Submissions (4):

Natera, Inc.
Classification: Likely pathogenic for Nemaline myopathy type 2. Last evaluated: 2025-12-23. Review status: criteria provided, single submitter. Criteria: Natera Variant Classification Schema (03/2026). Collection method: clinical testing. Allele origin: germline.
Comment: The c.2836-2A>G variant in NEB is a canonical splice acceptor site variant predicted to affect pre-mRNA splicing, which may result in an abnormal transcript and altered protein product. This variant may result in a truncated or dysfunctional protein product. This variant is rare in the general population with a frequency below the threshold expected for the associated phenotype(s). This variant has been observed in one or more individuals affected with the associated recessive disease, as either homozygous or compound heterozygous with a second variant (PMID: 28357410). Given the available evidence, this variant is classified as Likely Pathogenic.

Baylor Genetics
Classification: Pathogenic for Arthrogryposis multiplex congenita 6. Last evaluated: 2023-11-14. Review status: criteria provided, single submitter. Criteria: ACMG Guidelines, 2015. Collection method: clinical testing. Allele origin: unknown.

Labcorp Genetics (formerly Invitae), Labcorp
Classification: Likely pathogenic for Nemaline myopathy 2. Last evaluated: 2023-06-28. Review status: criteria provided, single submitter. Criteria: Invitae Variant Classification Sherloc (09022015). Collection method: clinical testing. Allele origin: germline.
Comment: Algorithms developed to predict the effect of sequence changes on RNA splicing suggest that this variant may disrupt the consensus splice site. This sequence change affects an acceptor splice site in intron 28 of the NEB gene. It is expected to disrupt RNA splicing. Variants that disrupt the donor or acceptor splice site typically lead to a loss of protein function (PMID: 16199547), and loss-of-function variants in NEB are known to be pathogenic (PMID: 25205138). This variant is not present in population databases (gnomAD no frequency). Disruption of this splice site has been observed in individual(s) with nemaline myopathy (PMID: 28357410). ClinVar contains an entry for this variant (Variation ID: 1068018). In summary, the currently available evidence indicates that the variant is pathogenic, but additional data are needed to prove that conclusively. Therefore, this variant has been classified as Likely Pathogenic.

Revvity Omics, Revvity
Classification: Pathogenic. Last evaluated: 2019-06-25. Review status: criteria provided, single submitter. Criteria: ACMG Guidelines, 2015. Collection method: clinical testing. Allele origin: germline.

Literature cited by the submitters: PubMed 28357410 (cited by Natera, Inc. and Labcorp Genetics (formerly Invitae), Labcorp); PubMed 16199547 (cited by Labcorp Genetics (formerly Invitae), Labcorp); PubMed 25205138 (cited by Labcorp Genetics (formerly Invitae), Labcorp).

NM_001164508.2(NEB):c.2836-2A>G

Gene: NEB (nebulin; minus strand). Cytogenetic location: 2q23.3.
Variant type: single nucleotide variant.
Coding change: c.2836-2A>G on transcript NM_001164508.2 (MANE Select); the canonical splice acceptor site of the intron before coding-DNA position 2836, A replaced by G.
Molecular consequence: splice acceptor variant.
Genome position (GRCh38, 1-based): chr2:151,682,771, T>C on the plus strand (A>G on the coding strand, the complement: NEB is on the minus strand). VCF-style: chr2-151682771-T-C. GRCh37 (hg19) VCF-style: chr2-152539285-T-C.
Other names: c.2836-2A>G (NM_004543.5, NM_001164507.2, NM_001271208.2).
Identifiers: ClinVar variation 1068018 (VCV001068018.17), dbSNP rs1208297049, ClinGen allele CA348821755.